The following is an entry in ClinVar:

ClinVar aggregate classification (germline): Uncertain significance (1 of 4 stars; one submission).

Allele frequency attached by ClinVar (database versions not stated): gnomAD exomes below 0.00001; ExAC 0.00002.
gnomAD v4.1: 2 of 1,613,976 alleles (0.00012%); highest among the groups gnomAD compares: Non-Finnish European, 0.00017%; no homozygotes.

Submission:

Labcorp Genetics (formerly Invitae), Labcorp
Classification: Uncertain significance. Last evaluated: 2024-09-15. Review status: criteria provided, single submitter. Criteria: Invitae Variant Classification Sherloc (09022015). Collection method: clinical testing. Allele origin: germline.
Comment: This sequence change affects codon 409 of the POLD2 mRNA. It is a 'silent' change, meaning that it does not change the encoded amino acid sequence of the POLD2 protein. This variant is present in population databases (rs761345266, gnomAD 0.002%). This variant has not been reported in the literature in individuals affected with POLD2-related conditions. Algorithms developed to predict the effect of sequence changes on RNA splicing suggest that this variant may create or strengthen a splice site. In summary, the available evidence is currently insufficient to determine the role of this variant in disease. Therefore, it has been classified as a Variant of Uncertain Significance.

NM_006230.4(POLD2):c.1122C>T (p.Ile374=)

Gene: POLD2 (DNA polymerase delta 2, accessory subunit; minus strand). Cytogenetic location: 7p13.
Variant type: single nucleotide variant.
Coding change: c.1122C>T on transcript NM_006230.4 (MANE Select); coding-DNA position 1122, C replaced by T.
Protein change: p.Ile374=; no amino-acid change (isoleucine 374 retained).
Molecular consequence: synonymous variant.
Genome position (GRCh38, 1-based): chr7:44,115,791, G>A on the plus strand (C>T on the coding strand, the complement: POLD2 is on the minus strand). VCF-style: chr7-44115791-G-A. GRCh37 (hg19) VCF-style: chr7-44155390-G-A.
Other names: c.1122C>T, p.Ile374= (NM_001127218.3, NM_001256879.2).
Identifiers: ClinVar variation 2793635 (VCV002793635.3), dbSNP rs761345266, ClinGen allele CA4238638.